The following is an entry in ClinVar:

NM_000377.3(WAS):c.1456G>A (p.Glu486Lys)

Gene: WAS (WASP actin nucleation promoting factor; plus strand). Cytogenetic location: Xp11.23.
Variant type: single nucleotide variant.
Coding change: c.1456G>A on transcript NM_000377.3 (MANE Select); coding-DNA position 1456, G replaced by A.
Protein change: p.Glu486Lys; replaces glutamic acid 486 with lysine.
Molecular consequence: missense variant.
Genome position (GRCh38, 1-based): chrX:48,691,109, G>A. VCF-style: chrX-48691109-G-A. GRCh37 (hg19) VCF-style: chrX-48549500-G-A.
Other names: short protein forms E486K.
Identifiers: ClinVar variation 988883 (VCV000988883.5), dbSNP rs2062438405, ClinGen allele CA412874046.

ClinVar aggregate classification (germline): Uncertain significance. Review status: criteria provided, multiple submitters, no conflicts (2 of 4 stars). 3 submissions from 3 submitters: Uncertain significance (2). 1 of the submissions does not count toward it. Last evaluated 2024-09-05.

Conditions:
Abnormal bleeding. Also called: Bleeding diathesis. Identifiers: MedGen C1458140, HP:0001892.
Thrombocytopenia. Identifiers: MedGen C0040034, MeSH D013921, MONDO:0002049, HP:0001873.
X-linked severe congenital neutropenia (SCNX). Identifiers: Orphanet 86788, MedGen C1845987, MONDO:0010294, OMIM 300299.
Thrombocytopenia 1. Also called: THROMBOCYTOPENIA, X-LINKED, 1; X-linked thrombocytopenia with normal platelets; X-Linked Thrombocytopenia (XLT). Identifiers: Orphanet 268322, Orphanet 852, MedGen C1839163, MONDO:0010743, OMIM 313900.
Wiskott-Aldrich syndrome (WAS). Also called: ALDRICH SYNDROME; IMMUNODEFICIENCY 2; WISKOTT-ALDRICH SYNDROME 1; Wiskott-aldrich syndrome, somatic. Identifiers: Orphanet 906, MedGen C0043194, MONDO:0010518, OMIM 301000.

Submissions (3):

Labcorp Genetics (formerly Invitae), Labcorp
Classification: Uncertain significance for Wiskott-Aldrich syndrome; X-linked severe congenital neutropenia; Thrombocytopenia 1. Last evaluated: 2024-09-05. Review status: criteria provided, single submitter. Criteria: Invitae Variant Classification Sherloc (09022015). Collection method: clinical testing. Allele origin: germline.
Comment: This sequence change replaces glutamic acid, which is acidic and polar, with lysine, which is basic and polar, at codon 486 of the WAS protein (p.Glu486Lys). This variant is not present in population databases (gnomAD no frequency). This variant has not been reported in the literature in individuals affected with WAS-related conditions. ClinVar contains an entry for this variant (Variation ID: 988883). Experimental studies and prediction algorithms are not available or were not evaluated, and the functional significance of this variant is currently unknown. In summary, the available evidence is currently insufficient to determine the role of this variant in disease. Therefore, it has been classified as a Variant of Uncertain Significance.

Women's Health and Genetics/Laboratory Corporation of America, LabCorp
Classification: Uncertain significance. Last evaluated: 2024-07-22. Review status: criteria provided, single submitter. Criteria: LabCorp Variant Classification Summary - May 2015. Collection method: clinical testing. Allele origin: germline.
Comment: Variant summary: WAS c.1456G>A (p.Glu486Lys) results in a conservative amino acid change in the encoded protein sequence. Four of five in-silico tools predict a damaging effect of the variant on protein function. The variant was absent in 183082 control chromosomes (gnomAD). The available data on variant occurrences in the general population are insufficient to allow any conclusion about variant significance. c.1456G>A has been reported in the literature in individuals affected with inherited bleeding disorders without strong evidence of causality (e.g. Johnson_2018, Almazni_2020). These reports do not provide unequivocal conclusions about association of the variant with X-Linked Thrombocytopenia. To our knowledge, no experimental evidence demonstrating an impact on protein function has been reported. The following publications have been ascertained in the context of this evaluation (PMID: 32935436, 30349881). ClinVar contains an entry for this variant (Variation ID: 988883). Based on the evidence outlined above, the variant was classified as uncertain significance.

Birmingham Platelet Group; University of Birmingham
Classification: Uncertain significance for Thrombocytopenia; Abnormal bleeding. Last evaluated: 2020-05-01. Review status: no assertion criteria provided. Collection method: research. Allele origin: germline. Affected: yes. Not counted in ClinVar's aggregate classification.

Literature cited by the submitters: PubMed 32935436 (cited by Women's Health and Genetics/Laboratory Corporation of America, LabCorp); PubMed 30349881 (cited by Women's Health and Genetics/Laboratory Corporation of America, LabCorp).